The following is an entry in ClinVar:

NM_003482.4(KMT2D):c.7904G>T (p.Arg2635Leu)

Gene: KMT2D (lysine methyltransferase 2D; minus strand). Cytogenetic location: 12q13.12.
Variant type: single nucleotide variant.
Coding change: c.7904G>T on transcript NM_003482.4 (MANE Select); coding-DNA position 7904, G replaced by T.
Protein change: p.Arg2635Leu; replaces arginine 2635 with leucine.
Molecular consequence: missense variant.
Genome position (GRCh38, 1-based): chr12:49,039,866, C>A on the plus strand (G>T on the coding strand, the complement: KMT2D is on the minus strand). VCF-style: chr12-49039866-C-A. GRCh37 (hg19) VCF-style: chr12-49433649-C-A.
Other names: short protein forms R2635L.
Identifiers: ClinVar variation 2727397 (VCV002727397.3), dbSNP rs200359477, ClinGen allele CA384746509.

ClinVar aggregate classification (germline): Uncertain significance (1 of 4 stars; one submission).

Conditions:
Kabuki syndrome. Also called: NIIKAWA-KUROKI SYNDROME; Kabuki make-up syndrome. Identifiers: Orphanet 2322, MedGen C0796004, MONDO:0016512.

Submission:

Labcorp Genetics (formerly Invitae), Labcorp
Classification: Uncertain significance for Kabuki syndrome. Last evaluated: 2024-11-05. Review status: criteria provided, single submitter. Criteria: Invitae Variant Classification Sherloc (09022015). Collection method: clinical testing. Allele origin: germline.
Comment: This sequence change replaces arginine, which is basic and polar, with leucine, which is neutral and non-polar, at codon 2635 of the KMT2D protein (p.Arg2635Leu). This variant is not present in population databases (gnomAD no frequency). This variant has not been reported in the literature in individuals affected with KMT2D-related conditions. ClinVar contains an entry for this variant (Variation ID: 2727397). Invitae Evidence Modeling of protein sequence and biophysical properties (such as structural, functional, and spatial information, amino acid conservation, physicochemical variation, residue mobility, and thermodynamic stability) indicates that this missense variant is not expected to disrupt KMT2D protein function with a negative predictive value of 95%. In summary, the available evidence is currently insufficient to determine the role of this variant in disease. Therefore, it has been classified as a Variant of Uncertain Significance.